The following is an entry in ClinVar:

NM_001267550.2(TTN):c.107552T>A (p.Met35851Lys)

Genes: TTN (titin; minus strand), TTN-AS1 (TTN antisense RNA 1; plus strand). Cytogenetic location: 2q31.2.
Variant type: single nucleotide variant.
Coding change: c.107552T>A on transcript NM_001267550.2 (MANE Select); coding-DNA position 107552, T replaced by A.
Protein change: p.Met35851Lys; replaces methionine 35851 with lysine.
Molecular consequence: missense variant.
Genome position (GRCh38, 1-based): chr2:178,527,574, A>T on the plus strand (T>A on the coding strand, the complement: TTN is on the minus strand). VCF-style: chr2-178527574-A-T. GRCh37 (hg19) VCF-style: chr2-179392301-A-T.
Other names: c.102629T>A, p.Met34210Lys (NM_001256850.1); c.80357T>A, p.Met26786Lys (NM_003319.4); c.99848T>A, p.Met33283Lys (NM_133378.4); c.80732T>A, p.Met26911Lys (NM_133432.3); c.80933T>A, p.Met26978Lys (NM_133437.4); short protein forms M26786K, M26911K, M26978K, M33283K, M34210K, M35851K.
Identifiers: ClinVar variation 1979384 (VCV001979384.4), dbSNP rs1310904463, ClinGen allele CA349400118.

ClinVar aggregate classification (germline): Uncertain significance (1 of 4 stars; one submission).

Conditions:
Dilated cardiomyopathy 1G (CMD1G). Identifiers: Orphanet 154, MedGen C1858763, MONDO:0011400, OMIM 604145.
Autosomal recessive limb-girdle muscular dystrophy type 2J (LGMDR10). Also called: Limb-girdle muscular dystrophy, type 2J; MUSCULAR DYSTROPHY, LIMB-GIRDLE, AUTOSOMAL RECESSIVE 10. Identifiers: Orphanet 140922, MedGen C1837342, MONDO:0012127, OMIM 608807.

gnomAD v4.1: 1 of 1,614,058 alleles (0.000062%); highest among the groups gnomAD compares: Non-Finnish European, 0.000085%; no homozygotes.

Submission:

Labcorp Genetics (formerly Invitae), Labcorp
Classification: Uncertain significance for Dilated cardiomyopathy 1G; Autosomal recessive limb-girdle muscular dystrophy type 2J. Last evaluated: 2022-10-08. Review status: criteria provided, single submitter. Criteria: Invitae Variant Classification Sherloc (09022015). Collection method: clinical testing. Allele origin: germline.
Comment: This variant has not been reported in the literature in individuals affected with TTN-related conditions. This variant is not present in population databases (gnomAD no frequency). This sequence change replaces methionine, which is neutral and non-polar, with lysine, which is basic and polar, at codon 35851 of the TTN protein (p.Met35851Lys). Experimental studies and prediction algorithms are not available or were not evaluated, and the functional significance of this variant is currently unknown. In summary, the available evidence is currently insufficient to determine the role of this variant in disease. Therefore, it has been classified as a Variant of Uncertain Significance. This variant is located in the M band of TTN (PMID: 25589632). Variants in this region may be relevant for neuromuscular disorders, but have not been definitively shown to cause cardiomyopathy (PMID: 23975875).

Literature cited by the submitters: PubMed 25589632; PubMed 23975875.